The following is an entry in ClinVar:

ClinVar aggregate classification (germline): Uncertain significance. Review status: criteria provided, single submitter (1 of 4 stars). 3 submissions from 3 submitters: Uncertain significance (1). 2 of the submissions do not count toward it. Last evaluated 2019-03-29.

Conditions:
Capillary malformation-arteriovenous malformation 2 (CMAVM2). Identifiers: Orphanet 693912, MedGen C4748670, MONDO:0020785, OMIM 618196.
EPHB4-related disorder. Also called: EPHB4-related disorders; EPHB4-related condition.

Submissions (3):

SIB Swiss Institute of Bioinformatics
Classification: Uncertain significance for Capillary malformation-arteriovenous malformation 2. Last evaluated: 2019-03-29. Review status: criteria provided, single submitter. Criteria: ACMG Guidelines, 2015. Collection method: curation. Allele origin: unknown.
Comment: This variant is interpreted as Uncertain significance for Capillary malformation-arteriovenous malformation 2. The following ACMG Tag(s) were applied: PM2: Absent from controls (or at extremely low frequency if recessive) in Exome Sequencing Project, 1000 Genomes Project, or Exome Aggregation Consortium. PM1: Located in a mutational hot spot and/or critical and well-established functional domain (e.g.,active site of an enzyme) without benign variation. PP3: Multiple lines of computational evidence support a deleterious effect on the gene or gene product.

PreventionGenetics, part of Exact Sciences
Classification: Uncertain significance for EPHB4-related condition. Last evaluated: 2024-03-27. Review status: no assertion criteria provided. Collection method: clinical testing. Allele origin: germline. Not counted in ClinVar's aggregate classification.
Comment: The EPHB4 c.319T>C variant is predicted to result in the amino acid substitution p.Cys107Arg. This variant has been reported in a patient with vein of Galen malformation (Patient AA5718 in Vivanti et al. 2018. PubMed ID: 29444212). To our knowledge, this variant has not been reported in a large population database, indicating this variant is rare. At this time, the clinical significance of this variant is uncertain due to the absence of conclusive functional and genetic evidence.

OMIM
Classification: Pathogenic for CAPILLARY MALFORMATION-ARTERIOVENOUS MALFORMATION 2. Last evaluated: 2018-11-21. Review status: no assertion criteria provided. Collection method: literature only. Allele origin: germline. Not counted in ClinVar's aggregate classification.

Literature cited by the submitters: PubMed 29444212 (cited by SIB Swiss Institute of Bioinformatics and OMIM).

NM_004444.5(EPHB4):c.319T>C (p.Cys107Arg)

Gene: EPHB4 (EPH receptor B4; minus strand). Cytogenetic location: 7q22.1.
Variant type: single nucleotide variant.
Coding change: c.319T>C on transcript NM_004444.5 (MANE Select); coding-DNA position 319, T replaced by C.
Protein change: p.Cys107Arg; replaces cysteine 107 with arginine.
Molecular consequence: missense variant.
Genome position (GRCh38, 1-based): chr7:100,823,736, A>G on the plus strand (T>C on the coding strand, the complement: EPHB4 is on the minus strand). VCF-style: chr7-100823736-A-G. GRCh37 (hg19) VCF-style: chr7-100421358-A-G.
Other names: short protein forms C107R.
Identifiers: ClinVar variation 590878 (VCV000590878.3), dbSNP rs1562974383, ClinGen allele CA368582835.